The following is an entry in ClinVar:

ClinVar aggregate classification (germline): Uncertain significance (1 of 4 stars; one submission).

Conditions:
Hereditary cancer-predisposing syndrome. Also called: Neoplastic Syndromes, Hereditary; Tumor predisposition; Hereditary neoplastic syndrome; Hereditary Cancer Syndrome. Identifiers: Orphanet 140162, MedGen C0027672, MeSH D009386, MONDO:0015356.

Submission:

Ambry Genetics
Classification: Uncertain significance for Hereditary cancer-predisposing syndrome. Last evaluated: 2026-01-21. Review status: criteria provided, single submitter. Criteria: Ambry Variant Classification Scheme 2023. Collection method: clinical testing. Allele origin: germline.
Comment: The c.26_28delAGA variant (also known as p.E9_S10delinsG) is located in coding exon 1 of the BAP1 gene. This variant results from an in-frame AGA deletion at nucleotide positions 26 to 28. This results in the substitution of glutamate and serine residues for a glycine residue at codons 9 and 10. This amino acid region is highly conserved in available vertebrate species. In addition, this variant is predicted to be deleterious by in silico analysis (Choi Y et al. PLoS ONE. 2012; 7(10):e46688). Based on the available evidence, the clinical significance of this variant remains unclear.

NM_004656.4(BAP1):c.26_28del (p.Glu9_Ser10delinsGly)

Gene: BAP1 (BRCA1 associated deubiquitinase 1; minus strand). Cytogenetic location: 3p21.1.
Variant type: Deletion.
Coding change: c.26_28del on transcript NM_004656.4 (MANE Select); coding-DNA positions 26 to 28, 3 bases deleted (AGA; older notation c.26_28delAGA).
Protein change: p.Glu9_Ser10delinsGly.
Molecular consequence: inframe indel.
Genome position (GRCh38, 1-based): chr3:52,409,851-52,409,853, TCT deleted on the plus strand (AGA on the coding strand, the reverse complement: BAP1 is on the minus strand). VCF-style (leftmost placement, unchanged base first): chr3-52409850-CTCT-C. GRCh37 (hg19) VCF-style: chr3-52443866-CTCT-C.
Other names: c.26_28del, p.Glu9_Ser10delinsGly (NM_001410772.1).
Identifiers: ClinVar variation 4194634 (VCV004194634.2).
Genomic context (GRCh38, chr3:52,409,850, plus strand): 5'-CCCGGGCCCATCCGGCCTCCCCAGCCCCTGGCCCTCCCGGTCCCCTCCTCACCTGGGTCG[CTCT>C]CCAGCTCCAGCCAGCCCTTATTCATCTTCCCGCGGGGCGGCCCCTCAGCGCCATGTCCAG-3'